The following is an entry in ClinVar:

ClinVar aggregate classification (germline): Uncertain significance. Review status: criteria provided, multiple submitters, no conflicts (2 of 4 stars). 2 submissions from 2 submitters: Uncertain significance (2). Last evaluated 2024-07-22.

Conditions:
Fanconi anemia (FA). Also called: Fanconi's anemia. Identifiers: Orphanet 84, MedGen C0015625, MeSH D005199, MONDO:0019391.
Fanconi anemia complementation group A (FANCA). Also called: Fanconi anemia, group A; FANCA-Related Fanconi Anemia. Identifiers: Orphanet 84, MedGen C3469521, MONDO:0009215, OMIM 227650.

Submissions (2):

Labcorp Genetics (formerly Invitae), Labcorp
Classification: Uncertain significance for Fanconi anemia. Last evaluated: 2024-07-22. Review status: criteria provided, single submitter. Criteria: Invitae Variant Classification Sherloc (09022015). Collection method: clinical testing. Allele origin: germline.
Comment: This sequence change replaces alanine, which is neutral and non-polar, with valine, which is neutral and non-polar, at codon 636 of the FANCA protein (p.Ala636Val). This variant is not present in population databases (gnomAD no frequency). This variant has not been reported in the literature in individuals affected with FANCA-related conditions. ClinVar contains an entry for this variant (Variation ID: 1348792). Advanced modeling of protein sequence and biophysical properties (such as structural, functional, and spatial information, amino acid conservation, physicochemical variation, residue mobility, and thermodynamic stability) performed at Invitae indicates that this missense variant is not expected to disrupt FANCA protein function with a negative predictive value of 95%. In summary, the available evidence is currently insufficient to determine the role of this variant in disease. Therefore, it has been classified as a Variant of Uncertain Significance.

Fulgent Genetics
Classification: Uncertain significance for Fanconi anemia complementation group A. Last evaluated: 2024-03-16. Review status: criteria provided, single submitter. Criteria: ACMG Guidelines, 2015. Collection method: clinical testing. Allele origin: germline.

NM_000135.4(FANCA):c.1907C>T (p.Ala636Val)

Gene: FANCA (FA complementation group A; minus strand). Cytogenetic location: 16q24.3.
Variant type: single nucleotide variant.
Coding change: c.1907C>T on transcript NM_000135.4 (MANE Select); coding-DNA position 1907, C replaced by T.
Protein change: p.Ala636Val; replaces alanine 636 with valine.
Molecular consequence: missense variant.
Genome position (GRCh38, 1-based): chr16:89,773,378, G>A on the plus strand (C>T on the coding strand, the complement: FANCA is on the minus strand). VCF-style: chr16-89773378-G-A. GRCh37 (hg19) VCF-style: chr16-89839786-G-A.
Other names: c.1907C>T, p.Ala636Val (NM_001286167.3); short protein forms A636V.
Identifiers: ClinVar variation 1348792 (VCV001348792.9), dbSNP rs2143367748, ClinGen allele CA397450408.